The following is an entry in ClinVar:

NC_000018.9:g.(?_55233659)_(55240617_?)del

Gene: FECH (ferrochelatase; minus strand). Cytogenetic location: 18q21.31.
Variant type: Deletion.
Identifiers: ClinVar variation 1399753 (VCV001399753.6).

ClinVar aggregate classification (germline): Pathogenic (1 of 4 stars; one submission).

Submission:

Labcorp Genetics (formerly Invitae), Labcorp
Classification: Pathogenic. Last evaluated: 2021-03-04. Review status: criteria provided, single submitter. Criteria: Invitae Variant Classification Sherloc (09022015). Collection method: clinical testing. Allele origin: germline.
Comment: For these reasons, this variant has been classified as Pathogenic. This variant has not been reported in the literature in individuals with FECH-related conditions. This variant is a gross deletion of the genomic region encompassing exon(s) 3-5 of the FECH gene. This deletion is out-of-frame, and is expected to create a premature translational stop signal and result in an absent or disrupted protein product. Loss-of-function variants in FECH are known to be pathogenic (PMID: 20105171, 23016163, 23364466).

Literature cited by the submitters: PubMed 20105171; PubMed 23016163; PubMed 23364466.